The following is an entry in ClinVar:

NM_014141.6(CNTNAP2):c.1777+13T>G

Gene: CNTNAP2 (contactin associated protein 2; plus strand). Cytogenetic location: 7q35.
Variant type: single nucleotide variant.
Coding change: c.1777+13T>G on transcript NM_014141.6 (MANE Select); 13 bases into the intron after coding-DNA position 1777, T replaced by G.
Molecular consequence: intron variant.
Genome position (GRCh38, 1-based): chr7:147,486,054, T>G. VCF-style: chr7-147486054-T-G. GRCh37 (hg19) VCF-style: chr7-147183146-T-G.
Identifiers: ClinVar variation 136814 (VCV000136814.16), dbSNP rs188140291, ClinGen allele CA290171.

ClinVar aggregate classification (germline): Conflicting classifications of pathogenicity. Review status: criteria provided, conflicting classifications (1 of 4 stars). 7 submissions from 7 submitters: Uncertain significance (1); Benign (1); Likely benign (3). 2 of the submissions do not count toward it. Last evaluated 2026-02-02.

Conditions:
Cortical dysplasia-focal epilepsy syndrome (PTHSL1). Also called: Pitt-Hopkins-like syndrome 1. Identifiers: Orphanet 163681, Orphanet 221150, MedGen C2750246, MONDO:0012400, OMIM 610042.

Allele frequency attached by ClinVar (database versions not stated): ExAC 0.00032; gnomAD exomes 0.00039; 1000 Genomes Project 0.00040; TOPMed 0.00046; ESP Exome Variant Server 0.00108.
gnomAD v4.1: 1,177 of 1,601,290 alleles (0.074%); highest among the groups gnomAD compares: Non-Finnish European, 0.094%; 3 homozygotes.

Submissions (7):

Labcorp Genetics (formerly Invitae), Labcorp
Classification: Likely benign for Cortical dysplasia-focal epilepsy syndrome. Last evaluated: 2026-02-02. Review status: criteria provided, single submitter. Criteria: Invitae Variant Classification Sherloc (09022015). Collection method: clinical testing. Allele origin: germline.

Women's Health and Genetics/Laboratory Corporation of America, LabCorp
Classification: Likely benign. Last evaluated: 2024-12-10. Review status: criteria provided, single submitter. Criteria: LabCorp Variant Classification Summary - May 2015. Collection method: clinical testing. Allele origin: germline.

Blueprint Genetics
Classification: Likely benign. Last evaluated: 2024-11-11. Review status: criteria provided, single submitter. Criteria: ACMG Guidelines, 2015. Collection method: clinical testing. Allele origin: germline.

Illumina Laboratory Services, Illumina
Classification: Uncertain significance for Cortical dysplasia-focal epilepsy syndrome. Last evaluated: 2018-01-13. Review status: criteria provided, single submitter. Criteria: ICSL Variant Classification Criteria 13 December 2019. Collection method: clinical testing. Allele origin: germline.

GeneDx
Classification: Benign. Last evaluated: 2013-08-06. Review status: criteria provided, single submitter. Criteria: GeneDx Variant Classification (06012015). Collection method: clinical testing. Allele origin: germline. Affected: yes.
Comment: This variant is considered likely benign or benign based on one or more of the following criteria: it is a conservative change, it occurs at a poorly conserved position in the protein, it is predicted to be benign by multiple in silico algorithms, and/or has population frequency not consistent with disease.

Clinical Genetics DNA and cytogenetics Diagnostics Lab, Erasmus MC, Erasmus Medical Center
Classification: Likely benign. Review status: no assertion criteria provided. Collection method: clinical testing. Allele origin: germline. Affected: yes. Study: VKGL Data-share Consensus. Not counted in ClinVar's aggregate classification.

Genome Diagnostics Laboratory, University Medical Center Utrecht
Classification: Likely benign. Review status: no assertion criteria provided. Collection method: clinical testing. Allele origin: germline. Affected: yes. Study: VKGL Data-share Consensus. Not counted in ClinVar's aggregate classification.